The following is an entry in ClinVar:

NM_015338.6(ASXL1):c.1888C>T (p.His630Tyr)

Gene: ASXL1 (ASXL transcriptional regulator 1; plus strand). Cytogenetic location: 20q11.21.
Variant type: single nucleotide variant.
Coding change: c.1888C>T on transcript NM_015338.6 (MANE Select); coding-DNA position 1888, C replaced by T.
Protein change: p.His630Tyr; replaces histidine 630 with tyrosine.
Molecular consequence: missense variant.
Genome position (GRCh38, 1-based): chr20:32,434,600, C>T. VCF-style: chr20-32434600-C-T. GRCh37 (hg19) VCF-style: chr20-31022403-C-T.
Other names: c.1705C>T, p.His569Tyr (NM_001363734.1); short protein forms H630Y, H569Y.
Identifiers: ClinVar variation 4825197 (VCV004825197.1).

ClinVar aggregate classification (germline): Uncertain significance (1 of 4 stars; one submission).

Conditions:
Inborn genetic diseases. Identifiers: MedGen C0950123, MeSH D030342.

gnomAD v4.1: 3 of 1,612,234 alleles (0.00019%); highest among the groups gnomAD compares: South Asian, 0.0011%; no homozygotes.

Submission:

Ambry Genetics
Classification: Uncertain significance for Inborn genetic diseases. Last evaluated: 2026-01-22. Review status: criteria provided, single submitter. Criteria: Ambry Variant Classification Scheme 2023. Collection method: clinical testing. Allele origin: germline.
Comment: The p.H630Y variant (also known as c.1888C>T), located in coding exon 13 of the ASXL1 gene, results from a C to T substitution at nucleotide position 1888. The histidine at codon 630 is replaced by tyrosine, an amino acid with similar properties. This amino acid position is conserved. In addition, this alteration is predicted to be tolerated by in silico analysis. Based on the available evidence, the clinical significance of this variant remains unclear.